The following is an entry in ClinVar:

NM_000037.4(ANK1):c.563C>T (p.Thr188Met)

Genes: ANK1 (ankyrin 1; minus strand), LOC124153154 (Sharpr-MPRA regulatory region 1462; plus strand). Cytogenetic location: 8p11.21.
Variant type: single nucleotide variant.
Coding change: c.563C>T on transcript NM_000037.4 (MANE Select); coding-DNA position 563, C replaced by T.
Protein change: p.Thr188Met; replaces threonine 188 with methionine.
Molecular consequence: missense variant.
Genome position (GRCh38, 1-based): chr8:41,725,810, G>A on the plus strand (C>T on the coding strand, the complement: ANK1 is on the minus strand). VCF-style: chr8-41725810-G-A. GRCh37 (hg19) VCF-style: chr8-41583328-G-A.
Other names: c.662C>T, p.Thr221Met (NM_001142446.2); c.563C>T, p.Thr188Met (NM_020475.3, NM_020476.3, NM_020477.3); short protein forms T188M, T221M.
Identifiers: ClinVar variation 377467 (VCV000377467.6), dbSNP rs146346710, ClinGen allele CA4728938.

ClinVar aggregate classification (germline): Uncertain significance. Review status: criteria provided, multiple submitters, no conflicts (2 of 4 stars). 3 submissions from 3 submitters: Uncertain significance (3). Last evaluated 2026-09-24.

Conditions:
Inborn genetic diseases. Identifiers: MedGen C0950123, MeSH D030342.
Hereditary spherocytosis type 1. Also called: Spherocytosis type 1; ANK1-Related Spherocytosis. Identifiers: Orphanet 822, MedGen C2674218, MONDO:0008447, OMIM 182900.

Allele frequency attached by ClinVar (database versions not stated): gnomAD exomes 0.00005 and 0.00006; TOPMed 0.00005; gnomAD 0.00004 and 0.00005; ESP Exome Variant Server 0.00008; ExAC 0.00010.
gnomAD v4.1: 76 of 1,611,850 alleles (0.0047%); highest among the groups gnomAD compares: Middle Eastern, 0.058%; no homozygotes.

Submissions (3):

GeneDx
Classification: Uncertain significance. Last evaluated: 2026-09-24. Review status: criteria provided, single submitter. Criteria: GeneDx Variant Classification Process June 2021. Collection method: clinical testing. Allele origin: germline.
Comment: In silico analysis supports that this missense variant has a deleterious effect on protein structure/function; Has not been previously published as pathogenic or benign to our knowledge; This variant is associated with the following publications: (PMID: Vyas_2021_Computational)

Ambry Genetics
Classification: Uncertain significance for Inborn genetic diseases. Last evaluated: 2025-08-20. Review status: criteria provided, single submitter. Criteria: Ambry Variant Classification Scheme 2023. Collection method: clinical testing. Allele origin: germline.

Revvity Omics, Revvity
Classification: Uncertain significance for Hereditary spherocytosis type 1. Last evaluated: 2023-06-14. Review status: criteria provided, single submitter. Criteria: ACMG Guidelines, 2015. Collection method: clinical testing. Allele origin: germline.